The following is an entry in ClinVar:

NM_000152.5(GAA):c.2799+5G>A

Gene: GAA (alpha glucosidase; plus strand). Cytogenetic location: 17q25.3.
Variant type: single nucleotide variant.
Coding change: c.2799+5G>A on transcript NM_000152.5 (MANE Select); 5 bases into the intron after coding-DNA position 2799, G replaced by A.
Molecular consequence: intron variant.
Genome position (GRCh38, 1-based): chr17:80,118,810, G>A. VCF-style: chr17-80118810-G-A. GRCh37 (hg19) VCF-style: chr17-78092609-G-A.
Other names: NM_001079804.3:c.2799+5G>A; c.2799+5G>A (NM_001406741.1, NM_001406742.1, NM_001079803.3 and 1 more transcripts).
Identifiers: ClinVar variation 2570635 (VCV002570635.2), dbSNP rs2510405328, ClinGen allele CA891834518.

ClinVar aggregate classification (germline): Uncertain significance. Review status: reviewed by expert panel (3 of 4 stars). 2 submissions from 2 submitters: Uncertain significance (1). 1 of the submissions does not count toward it. Last evaluated 2023-04-19.

Conditions:
Glycogen storage disease, type II (IOPD). Also called: CARDIOMEGALIA GLYCOGENICA DIFFUSA; GLYCOGENOSIS, GENERALIZED, CARDIAC FORM; GSD II; Glycogen storage disease type 2; Acid maltase deficiency disease; Aglucosidase alfa. Identifiers: Orphanet 365, MedGen C0017921, MONDO:0009290, OMIM 232300.

Submissions (2):

ClinGen Lysosomal Storage Disorder Variant Curation Expert Panel
Classification: Uncertain significance for Glycogen storage disease, type II. Last evaluated: 2023-04-19. Review status: reviewed by expert panel. Criteria: clingen_lsd_acmg_specifications_v2-1. Collection method: curation. Allele origin: germline. Inheritance: Autosomal recessive inheritance.
Comment: The NM_000152.5:c.2799+5G>A variant alters the splice donor region of intron 19, the last intron of GAA. The computational splicing predictor SpliceAI gives a score of 0.63 for donor loss, predicting that the variant disrupts the donor splice site of this intron (PP3). One patient, who is homozygous for the variant, has been described with clinical features consistent with Pompe disease and deficient activity of acid-glucosidase, specific values not provided (PM3_Supporting). This variant is absent in gnomAD v2.1.1. (PM2_Supporting). Additional variants in this splice region have been identified including c.2799+2C>A (classified by the ClinGen LD VCEP as a VUS), c.2799+2C>T (classified by the ClinGen LD VCEP as a VUS), and c.2799+4A>G (PMID: 26873529, 30564623; SpliceAI score = 0.62) (classified by the ClinGen LD VCEP as likely pathogenic) (PS1_Supporting based on a likely pathogenic variant in the same splice region; Walker et al, 2023) (PS1_Supporting). In summary, this variant meets the criteria to be classified as a variant of uncertain significance for Pompe disease. GAA-specific ACMG/AMP criteria applied, as specified by the ClinGen Lysosomal Diseases Variant Curation Expert Panel (Specifications Version 2.0): PP3, PS1_Supporting, PM3_Supporting, PM2_Supporting. (Classification approved by the ClinGen Lysosomal Diseases Variant Curation Expert Panel, April 18, 2023).

Genomenon, Inc
Classification: Likely pathogenic for Glycogen storage disease, type II. Last evaluated: 2026-07-01. Review status: criteria provided, single submitter. Criteria: Genomenon Sequence Variant Interpretation Standards - Updated. Collection method: curation. Allele origin: germline. Affected: yes. Not counted in ClinVar's aggregate classification.
Comment: GAA c.2799+5G>A is an intronic variant located in the donor splice region of intron 19. This variant has been observed in at least one proband with a GAA-related disorder in the compound heterozygous and/or homozygous state (PMID:32711049;28265479). It is absent or not present at a significant frequency in gnomAD. In silico models predict that this variant is possibly or probably damaging. In conclusion, we classify GAA c.2799+5G>A as a likely pathogenic variant.

Literature cited by the submitters: PubMed 32711049 (cited by Genomenon, Inc); PubMed 28265479 (cited by Genomenon, Inc).